The following is an entry in ClinVar:

NM_182641.4(BPTF):c.543C>G (p.Asp181Glu)

Genes: BPTF (bromodomain PHD finger transcription factor; plus strand), LOC130061496 (ATAC-STARR-seq lymphoblastoid active region 12632; plus strand). Cytogenetic location: 17q24.2.
Variant type: single nucleotide variant.
Coding change: c.543C>G on transcript NM_182641.4 (MANE Select); coding-DNA position 543, C replaced by G.
Protein change: p.Asp181Glu; replaces aspartic acid 181 with glutamic acid.
Molecular consequence: missense variant.
Genome position (GRCh38, 1-based): chr17:67,826,267, C>G. VCF-style: chr17-67826267-C-G. GRCh37 (hg19) VCF-style: chr17-65822383-C-G.
Other names: c.543C>G, p.Asp181Glu (NM_004459.7); short protein forms D181E.
Identifiers: ClinVar variation 1696619 (VCV001696619.25), dbSNP rs758332344, ClinGen allele CA8725009.

ClinVar aggregate classification (germline): Uncertain significance. Review status: criteria provided, multiple submitters, no conflicts (2 of 4 stars). 2 submissions from 2 submitters: Uncertain significance (2). Last evaluated 2023-10-01.

Conditions:
Neurodevelopmental disorder with dysmorphic facies and distal limb anomalies. Identifiers: Orphanet 686482, MedGen C4540327, MONDO:0060596, OMIM 617755.

Allele frequency attached by ClinVar (database versions not stated): gnomAD 0.00001; ExAC 0.00003.
gnomAD v4.1: 11 of 1,584,050 alleles (0.00069%); highest among the groups gnomAD compares: Non-Finnish European, 0.00069%; no homozygotes.

Submissions (2):

CeGaT Center for Human Genetics Tuebingen
Classification: Uncertain significance. Last evaluated: 2023-10-01. Review status: criteria provided, single submitter. Criteria: CeGaT Center For Human Genetics Tuebingen Variant Classification Criteria Version 2. Collection method: clinical testing. Allele origin: germline. Affected: yes. Observed: 1 variant allele.
Comment: BPTF: PM2:Supporting, PP2

New York Genome Center
Classification: Uncertain significance for Neurodevelopmental disorder with dysmorphic facies and distal limb anomalies. Last evaluated: 2021-09-03. Review status: criteria provided, single submitter. Criteria: NYGC Assertion Criteria 2020. Collection method: clinical testing. Allele origin: inherited. Observed: 1 heterozygote. Study: CSER-NYCKidSeq.